The following is an entry in ClinVar:

NM_025237.3(SOST):c.448G>C (p.Gly150Arg)

Gene: SOST (sclerostin; minus strand). Cytogenetic location: 17q21.31.
Variant type: single nucleotide variant.
Coding change: c.448G>C on transcript NM_025237.3 (MANE Select); coding-DNA position 448, G replaced by C.
Protein change: p.Gly150Arg; replaces glycine 150 with arginine.
Molecular consequence: missense variant.
Genome position (GRCh38, 1-based): chr17:43,755,536, C>G on the plus strand (G>C on the coding strand, the complement: SOST is on the minus strand). VCF-style: chr17-43755536-C-G. GRCh37 (hg19) VCF-style: chr17-41832904-C-G.
Other names: short protein forms G150R.
Identifiers: ClinVar variation 3051959 (VCV003051959.2), dbSNP rs548849329, ClinGen allele CA8592787.

ClinVar aggregate classification (germline): Likely benign (0 of 4 stars; one submission).

Conditions:
SOST-related disorder. Also called: SOST-related condition.

Allele frequency attached by ClinVar (database versions not stated): TOPMed 0.00001; gnomAD 0.00004; ExAC 0.00038; 1000 Genomes Project 30x 0.00047; 1000 Genomes Project 0.00060.

Submission:

PreventionGenetics, part of Exact Sciences
Classification: Likely benign for SOST-related condition. Last evaluated: 2022-04-04. Review status: no assertion criteria provided. Collection method: clinical testing. Allele origin: germline.
Comment: This variant is classified as likely benign based on ACMG/AMP sequence variant interpretation guidelines (Richards et al. 2015 PMID: 25741868, with internal and published modifications).